The following is an entry in ClinVar:

ClinVar aggregate classification (germline): Uncertain significance (1 of 4 stars; one submission).

gnomAD v4.1: 2 of 1,613,474 alleles (0.00012%); highest among the groups gnomAD compares: East Asian, 0.0022%; no homozygotes.

Submission:

OLLIN Analises Genomicas, OLLIN
Classification: Uncertain significance. Last evaluated: 2026-08-06. Review status: criteria provided, single submitter. Criteria: ACMG Guidelines 2015 PMID 25741868. Collection method: clinical testing. Allele origin: de novo.
Comment: This missense variant, located in exon 5 (of 12), has been observed in gnomAD with an allele frequency of 0.00012%, but has not been reported in ClinVar or identified in the literature. In silico analysis predicts that this variant has a tolerated effect. According to the currently available evidence, this variant has been classified as uncertain significance (PS2, PM2_P, BP4_S).

NM_003458.4(BSN):c.5293G>A (p.Gly1765Arg)

Gene: BSN (bassoon presynaptic cytomatrix protein; plus strand). Cytogenetic location: 3p21.31.
Variant type: single nucleotide variant.
Coding change: c.5293G>A on transcript NM_003458.4 (MANE Select); coding-DNA position 5293, G replaced by A.
Protein change: p.Gly1765Arg; replaces glycine 1765 with arginine.
Molecular consequence: missense variant.
Genome position (GRCh38, 1-based): chr3:49,654,849, G>A. VCF-style: chr3-49654849-G-A. GRCh37 (hg19) VCF-style: chr3-49692282-G-A.
Other names: short protein forms G1765R.
Identifiers: ClinVar variation 5003064 (VCV005003064.1).